The following is an entry in ClinVar:

ClinVar aggregate classification (germline): Uncertain significance. Review status: criteria provided, multiple submitters, no conflicts (2 of 4 stars). 3 submissions from 3 submitters: Uncertain significance (3). Last evaluated 2026-03-13.

Conditions:
Inborn genetic diseases. Identifiers: MedGen C0950123, MeSH D030342.

Submissions (3):

Women's Health and Genetics/Laboratory Corporation of America, LabCorp
Classification: Uncertain significance. Last evaluated: 2026-03-13. Review status: criteria provided, single submitter. Criteria: LabCorp Variant Classification Summary - May 2015. Collection method: clinical testing. Allele origin: germline.
Comment: Variant summary: ATAD3A c.1039A>C (p.Asn347His) results in a conservative amino acid change in the encoded protein sequence. Algorithms developed to predict the effect of missense changes on protein structure and function are either unavailable or do not agree on the potential impact of this missense change. The variant allele was found at a frequency of 7.2e-05 in 251190 control chromosomes. This frequency is not significantly higher than estimated for disease-causing variants in ATAD3A, allowing no conclusion about variant significance. To our knowledge, no occurrence of c.1039A>C in individuals affected with ATAD3A-related conditions and no experimental evidence demonstrating its impact on protein function have been reported. ClinVar contains an entry for this variant (Variation ID: 3319798). Based on the evidence outlined above, the variant was classified as uncertain significance.

GeneDx
Classification: Uncertain significance. Last evaluated: 2026-02-18. Review status: criteria provided, single submitter. Criteria: GeneDx Variant Classification Process June 2021. Collection method: clinical testing. Allele origin: germline.
Comment: In silico analysis supports that this missense variant has a deleterious effect on protein structure/function; Has not been previously published as pathogenic or benign to our knowledge

Ambry Genetics
Classification: Uncertain significance for Inborn genetic diseases. Last evaluated: 2024-03-19. Review status: criteria provided, single submitter. Criteria: Ambry Variant Classification Scheme 2023. Collection method: clinical testing. Allele origin: germline.

NM_001170535.3(ATAD3A):c.1039A>C (p.Asn347His)

Gene: ATAD3A (ATPase family AAA domain containing 3A; plus strand). Cytogenetic location: 1p36.33.
Variant type: single nucleotide variant.
Coding change: c.1039A>C on transcript NM_001170535.3 (MANE Select); coding-DNA position 1039, A replaced by C.
Protein change: p.Asn347His; replaces asparagine 347 with histidine.
Molecular consequence: missense variant.
Genome position (GRCh38, 1-based): chr1:1,523,914, A>C. VCF-style: chr1-1523914-A-C. GRCh37 (hg19) VCF-style: chr1-1459294-A-C.
Other names: c.802A>C, p.Asn268His (NM_001170536.3); c.1183A>C, p.Asn395His (NM_018188.5); c.1039A>C (NM_001170535.1); short protein forms N268H, N347H, N395H.
Identifiers: ClinVar variation 3319798 (VCV003319798.3).